The following is an entry in ClinVar:

ClinVar aggregate classification (germline): Likely pathogenic (1 of 4 stars; one submission).

Submission:

Genetic Services Laboratory, University of Chicago
Classification: Likely pathogenic. Last evaluated: 2024-11-13. Review status: criteria provided, single submitter. Criteria: ACMG Guidelines, 2015. Collection method: clinical testing. Allele origin: germline. Affected: yes.
Comment: DNA sequence analysis of the HNF4A gene demonstrated a sequence change, c.122G>A, in exon 2 that results in an amino acid change, p.Cys41Tyr. The p.Cys41Tyr change affects a highly conserved amino acid residue located in a domain of the HNF4A protein that is known to be functional. The p.Cys41Tyr substitution appears to be deleterious using several in-silico pathogenicity prediction tools (SIFT, PolyPhen2, Align GVGD, REVEL. This particular amino acid change does not appear to have been described in the literature in other individuals with HNF4A-related disorders. This sequence change has not been described in population databases such as ExAC and gnomAD. The p.Cys41Tyr amino acid change occurs in a region of the HNF4A gene where other missense sequence changes have been described in individuals with HNF4A-related disorders (PMID: 24285859). Collectively, this evidence indicates that this sequence change is likely pathogenic, however functional studies have not been performed to prove this conclusively.

NM_175914.5(HNF4A):c.122G>A (p.Cys41Tyr)

Gene: HNF4A (hepatocyte nuclear factor 4 alpha; plus strand). Cytogenetic location: 20q13.12.
Variant type: single nucleotide variant.
Coding change: c.122G>A on transcript NM_175914.5 (MANE Select); coding-DNA position 122, G replaced by A.
Protein change: p.Cys41Tyr; replaces cysteine 41 with tyrosine.
Molecular consequence: missense variant.
Genome position (GRCh38, 1-based): chr20:44,406,130, G>A. VCF-style: chr20-44406130-G-A. GRCh37 (hg19) VCF-style: chr20-43034770-G-A.
Other names: c.188G>A, p.Cys63Tyr (NM_178849.3, NM_178850.3, NM_000457.6); c.122G>A, p.Cys41Tyr (NM_001030003.3, NM_001030004.3); c.167G>A, p.Cys56Tyr (NM_001258355.2); c.113G>A, p.Cys38Tyr (NM_001287182.2, NM_001287183.2, NM_001287184.2); short protein forms C38Y, C41Y, C56Y, C63Y.
Identifiers: ClinVar variation 4082447 (VCV004082447.2).
Genomic context (GRCh38, chr20:44,406,130, plus strand): 5'-CAGAAGGCACCAACCTCAACGCGCCCAACAGCCTGGGTGTCAGCGCCCTGTGTGCCATCT[G>A]CGGGGACCGGGCCACGGGCAAACACTACGGTGCCTCGAGCTGTGACGGCTGCAAGGGCTT-3'
Protein context (NP_787110.2, residues 31-51): SLGVSALCAI[Cys41Tyr]GDRATGKHYG